The following is an entry in ClinVar:

NM_080424.4(SP110):c.1195A>C (p.Lys399Gln)

Gene: SP110 (SP110 nuclear body protein; minus strand). Cytogenetic location: 2q37.1.
Variant type: single nucleotide variant.
Coding change: c.1195A>C on transcript NM_080424.4 (MANE Select); coding-DNA position 1195, A replaced by C.
Protein change: p.Lys399Gln; replaces lysine 399 with glutamine.
Molecular consequence: missense variant.
Genome position (GRCh38, 1-based): chr2:230,186,078, T>G on the plus strand (A>C on the coding strand, the complement: SP110 is on the minus strand). VCF-style: chr2-230186078-T-G. GRCh37 (hg19) VCF-style: chr2-231050794-T-G.
Other names: c.1213A>C, p.Lys405Gln (NM_001185015.2, NM_001378442.1, NM_001378444.1 and 2 more transcripts); c.1195A>C, p.Lys399Gln (NM_001378443.1, NM_004509.5, NM_004510.4); c.1045A>C, p.Lys349Gln (NM_001378447.1); short protein forms K405Q, K349Q, K399Q.
Identifiers: ClinVar variation 2093828 (VCV002093828.4), dbSNP rs2469552111, ClinGen allele CA350907582.
Genomic context (GRCh38, chr2:230,186,078, plus strand): 5'-ATTTAGTTCTTGCCTTTTGGACCCTCATCATGACCTCTGAGTTCCAGGTTGAGTCGTCTT[T>G]CCTTTGAGTCACCTTATCCACCACTTGGAGCTTCTCTTGGATGCCATGCCCAGGTGAGGC-3'
Protein context (NP_536349.3, residues 389-409): LQVVDKVTQR[Lys399Gln]DDSTWNSEVM

ClinVar aggregate classification (germline): Uncertain significance (1 of 4 stars; one submission).

Conditions:
Hepatic veno-occlusive disease-immunodeficiency syndrome. Also called: Hepatic Veno-Occlusive Disease with Immunodeficiency. Identifiers: Orphanet 79124, MedGen C1856128, MONDO:0009338, OMIM 235550. Disease mechanism: loss of function.

Submission:

Labcorp Genetics (formerly Invitae), Labcorp
Classification: Uncertain significance for Hepatic veno-occlusive disease-immunodeficiency syndrome. Last evaluated: 2022-02-06. Review status: criteria provided, single submitter. Criteria: Invitae Variant Classification Sherloc (09022015). Collection method: clinical testing. Allele origin: germline.
Comment: This variant is not present in population databases (gnomAD no frequency). This sequence change replaces lysine, which is basic and polar, with glutamine, which is neutral and polar, at codon 399 of the SP110 protein (p.Lys399Gln). This variant has not been reported in the literature in individuals affected with SP110-related conditions. In summary, the available evidence is currently insufficient to determine the role of this variant in disease. Therefore, it has been classified as a Variant of Uncertain Significance. Algorithms developed to predict the effect of missense changes on protein structure and function are either unavailable or do not agree on the potential impact of this missense change (SIFT: "Tolerated"; PolyPhen-2: "Possibly Damaging"; Align-GVGD: "Class C0").